The following is an entry in ClinVar:

NM_002069.6(GNAI1):c.462-10T>G

Gene: GNAI1 (G protein subunit alpha i1; plus strand). Cytogenetic location: 7q21.11.
Variant type: single nucleotide variant.
Coding change: c.462-10T>G on transcript NM_002069.6 (MANE Select); 10 bases into the intron before coding-DNA position 462, T replaced by G.
Molecular consequence: intron variant.
Genome position (GRCh38, 1-based): chr7:80,203,694, T>G. VCF-style: chr7-80203694-T-G. GRCh37 (hg19) VCF-style: chr7-79833010-T-G.
Other names: c.306-10T>G (NM_001256414.2).
Identifiers: ClinVar variation 3066126 (VCV003066126.1), dbSNP rs2484442759, ClinGen allele CA2740098055.
Genomic context (GRCh38, chr7:80,203,694, plus strand): 5'-ATTTTTGTTTTGGATGATCTTTATTGGCTATATTTACCATTAACATGTTGTTTTGTTTAA[T>G]TTTTTTCAGCTATTTGAATGACTTGGACAGAATAGCTCAACCAAATTACATCCCGACTCA-3'

ClinVar aggregate classification (germline): Uncertain significance (1 of 4 stars; one submission).

Conditions:
Neurodevelopmental disorder with hypotonia, impaired speech, and behavioral abnormalities (NEDHISB). Also called: GNAI1-Related Neurodevelopmental Disorder. Identifiers: MedGen C5676975, MONDO:0859243, OMIM 619854.

Submission:

MVZ Medizinische Genetik Mainz
Classification: Uncertain significance for Neurodevelopmental disorder with hypotonia, impaired speech, and behavioral abnormalities. Last evaluated: 2024-03-04. Review status: criteria provided, single submitter. Criteria: UK Practice Guidelines For Variant Classification V4 01 2020. Collection method: clinical testing. Allele origin: germline. Inheritance: Autosomal dominant inheritance. Affected: yes. Observed: 1 variant allele.
Comment: ACMG Criteria: PM2_SUP,PP3